The following is an entry in ClinVar:

ClinVar aggregate classification (germline): Benign/Likely benign. Review status: criteria provided, multiple submitters, no conflicts (2 of 4 stars). 6 submissions from 6 submitters: Benign (1); Likely benign (4). 1 of the submissions does not count toward it. Last evaluated 2026-01-26.

Conditions:
DKC1-related disorder. Also called: DKC1-related condition. Identifiers: MedGen CN294808, MONDO:0100152.
Dyskeratosis congenita. Identifiers: Orphanet 1775, MedGen C0265965, MONDO:0015780.

Allele frequency attached by ClinVar (database versions not stated): gnomAD 0.00023 and 0.00026; TOPMed 0.00023; ExAC 0.00027; ESP Exome Variant Server 0.00028; gnomAD exomes 0.00031 and 0.00032.
gnomAD v4.1: 372 of 1,207,821 alleles (0.031%); highest among the groups gnomAD compares: Non-Finnish European, 0.036%; 1 homozygote.

Submissions (6):

Labcorp Genetics (formerly Invitae), Labcorp
Classification: Benign for Dyskeratosis congenita. Last evaluated: 2026-01-26. Review status: criteria provided, single submitter. Criteria: Invitae Variant Classification Sherloc (09022015). Collection method: clinical testing. Allele origin: germline.

Laboratory of Genetics, Children's Clinical University Hospital Latvia
Classification: Likely benign. Last evaluated: 2025-02-16. Review status: criteria provided, single submitter. Criteria: ACMG Guidelines, 2015. Collection method: clinical testing. Allele origin: germline. Affected: yes.

Blueprint Genetics
Classification: Likely benign. Last evaluated: 2024-11-06. Review status: criteria provided, single submitter. Criteria: ACMG Guidelines, 2015. Collection method: clinical testing. Allele origin: germline.

CeGaT Center for Human Genetics Tuebingen
Classification: Likely benign. Last evaluated: 2022-04-01. Review status: criteria provided, single submitter. Criteria: CeGaT Center For Human Genetics Tuebingen Variant Classification Criteria Version 2. Collection method: clinical testing. Allele origin: germline. Affected: yes. Observed: 1 variant allele.
Comment: DKC1: BP4

Sema4
Classification: Likely benign for Dyskeratosis congenita. Last evaluated: 2021-07-12. Review status: criteria provided, single submitter. Criteria: Sema4 Curation Guidelines. Collection method: curation. Allele origin: germline.

PreventionGenetics, part of Exact Sciences
Classification: Likely benign for DKC1-related condition. Last evaluated: 2021-01-21. Review status: no assertion criteria provided. Collection method: clinical testing. Allele origin: germline. Not counted in ClinVar's aggregate classification.
Comment: This variant is classified as likely benign based on ACMG/AMP sequence variant interpretation guidelines (Richards et al. 2015 PMID: 25741868, with internal and published modifications).

NM_001363.5(DKC1):c.915+8C>T

Gene: DKC1 (dyskerin pseudouridine synthase 1; plus strand). Cytogenetic location: Xq28.
Variant type: single nucleotide variant.
Coding change: c.915+8C>T on transcript NM_001363.5 (MANE Select); 8 bases into the intron after coding-DNA position 915, C replaced by T.
Molecular consequence: intron variant.
Genome position (GRCh38, 1-based): chrX:154,769,318, C>T. VCF-style: chrX-154769318-C-T. GRCh37 (hg19) VCF-style: chrX-153997593-C-T.
Other names: c.915+8C>T (NM_001363.4, NM_001288747.2, NM_001142463.3).
Identifiers: ClinVar variation 1169272 (VCV001169272.37), dbSNP rs200156434, ClinGen allele CA10567115.